The following is an entry in ClinVar:

ClinVar aggregate classification (germline): Uncertain significance (1 of 4 stars; one submission).

Submission:

Labcorp Genetics (formerly Invitae), Labcorp
Classification: Uncertain significance. Last evaluated: 2022-08-09. Review status: criteria provided, single submitter. Criteria: Invitae Variant Classification Sherloc (09022015). Collection method: clinical testing. Allele origin: germline.
Comment: In summary, the available evidence is currently insufficient to determine the role of this variant in disease. Therefore, it has been classified as a Variant of Uncertain Significance. Experimental studies and prediction algorithms are not available or were not evaluated, and the functional significance of this variant is currently unknown. ClinVar contains an entry for this variant (Variation ID: 1345331). This variant has not been reported in the literature in individuals affected with NBAS-related conditions. This variant is present in population databases (rs776598988, gnomAD 0.009%). This variant, c.7007_7009del, results in the deletion of 1 amino acid(s) of the NBAS protein (p.Glu2336del), but otherwise preserves the integrity of the reading frame.

NM_015909.4(NBAS):c.7007_7009del (p.Glu2336del)

Gene: NBAS (NBAS subunit of NRZ tethering complex; minus strand). Cytogenetic location: 2p24.3.
Variant type: Deletion.
Coding change: c.7007_7009del on transcript NM_015909.4 (MANE Select); coding-DNA positions 7007 to 7009, 3 bases deleted (AGG; older notation c.7007_7009delAGG).
Protein change: p.Glu2336del; deletes glutamic acid 2336.
Molecular consequence: inframe deletion. On other transcripts: non-coding transcript variant (1).
Genome position (GRCh38, 1-based): chr2:15,167,155-15,167,157, CCT deleted on the plus strand (AGG on the coding strand, the reverse complement: NBAS is on the minus strand); deleting any 3 consecutive bases within chr2:15,167,155-15,167,159 gives the same sequence; the c. name uses the placement nearest the transcript's 3' end. VCF-style (leftmost placement, unchanged base first): chr2-15167154-GCCT-G. GRCh37 (hg19) VCF-style: chr2-15307278-GCCT-G.
Other names: short protein forms E2336del.
Identifiers: ClinVar variation 1345331 (VCV001345331.6), dbSNP rs776598988, ClinGen allele CA1534796.